The following is an entry in ClinVar:

ClinVar aggregate classification (germline): Uncertain significance. Review status: criteria provided, multiple submitters, no conflicts (2 of 4 stars). 7 submissions from 7 submitters: Uncertain significance (7). Last evaluated 2026-02-02.

Conditions:
Catecholaminergic polymorphic ventricular tachycardia 1. Also called: VENTRICULAR TACHYCARDIA, STRESS-INDUCED POLYMORPHIC 1; VENTRICULAR TACHYCARDIA, CATECHOLAMINERGIC POLYMORPHIC, 1, WITH OR WITHOUT ATRIAL DYSFUNCTION AND/OR DILATED CARDIOMYOPATHY; RYR2-Related Catecholaminergic Polymorphic Ventricular Tachycardia. Identifiers: Orphanet 3286, MedGen C1631597, MONDO:0011484, OMIM 604772.
Ventricular arrhythmias due to cardiac ryanodine receptor calcium release deficiency syndrome. Also called: Autosomal dominant cardiac arrhythmia (Kuhn). Identifiers: MedGen C5542154, MONDO:0020745, OMIM 115000.
Arrhythmogenic right ventricular dysplasia 2. Identifiers: MedGen C1832931.
Cardiovascular phenotype. Identifiers: MedGen CN230736.
Catecholaminergic polymorphic ventricular tachycardia (CVPT). Also called: Catecholamine-induced polymorphic ventricular tachycardia. Identifiers: Orphanet 3286, MedGen C5574922, MONDO:0017990.
Cardiomyopathy (CMYO). Also called: Cardiomyopathies. Identifiers: Orphanet 167848, MedGen C0878544, MONDO:0004994, HP:0001638. Inheritance: Various modes of inheritance.

Allele frequency attached by ClinVar (database versions not stated): gnomAD exomes 0.00002; ExAC 0.00003; TOPMed 0.00003.
gnomAD v4.1: 58 of 1,611,334 alleles (0.0036%); highest among the groups gnomAD compares: African/African-American, 0.0053%; no homozygotes.

Submissions (7):

Labcorp Genetics (formerly Invitae), Labcorp
Classification: Uncertain significance for Catecholaminergic polymorphic ventricular tachycardia 1. Last evaluated: 2026-02-02. Review status: criteria provided, single submitter. Criteria: Invitae Variant Classification Sherloc (09022015). Collection method: clinical testing. Allele origin: germline.
Comment: This sequence change replaces proline, which is neutral and non-polar, with arginine, which is basic and polar, at codon 1578 of the RYR2 protein (p.Pro1578Arg). This variant is present in population databases (rs765351308, gnomAD 0.01%). This variant has not been reported in the literature in individuals affected with RYR2-related conditions. ClinVar contains an entry for this variant (Variation ID: 373788). Invitae Evidence Modeling of protein sequence and biophysical properties (such as structural, functional, and spatial information, amino acid conservation, physicochemical variation, residue mobility, and thermodynamic stability) has been performed for this missense variant. However, the output from this modeling did not meet the statistical confidence thresholds required to predict the impact of this variant on RYR2 protein function. In summary, the available evidence is currently insufficient to determine the role of this variant in disease. Therefore, it has been classified as a Variant of Uncertain Significance.

All of Us Research Program, National Institutes of Health
Classification: Uncertain significance for Catecholaminergic polymorphic ventricular tachycardia. Last evaluated: 2024-09-23. Review status: criteria provided, single submitter. Criteria: ACMG Guidelines, 2015. Collection method: clinical testing. Allele origin: germline. Inheritance: Autosomal dominant inheritance. Observed: 15 variant alleles, 15 heterozygotes.
Comment: This missense variant replaces proline with arginine at codon 1578 of the RYR2 protein. Computational prediction is inconclusive regarding the impact of this variant on protein structure and function (internally defined REVEL score threshold 0.5 < inconclusive < 0.7, PMID: 27666373). To our knowledge, functional studies have not been reported for this variant. This variant has not been reported in individuals affected with RYR2-related disorders in the literature. This variant has been identified in 6/245102 chromosomes in the general population by the Genome Aggregation Database (gnomAD). The available evidence is insufficient to determine the role of this variant in disease conclusively. Therefore, this variant is classified as a Variant of Uncertain Significance.

This study involves interpretation of variants in research participants for the purpose of population health screening. Participant phenotype was not available at the time of variant classification. Additional details can be found in publication PMID: 35346344, PMCID: PMC8962531

Ambry Genetics
Classification: Uncertain significance for Cardiovascular phenotype. Last evaluated: 2024-03-18. Review status: criteria provided, single submitter. Criteria: Ambry Variant Classification Scheme 2023. Collection method: clinical testing. Allele origin: germline.
Comment: The p.P1578R variant (also known as c.4733C>G), located in coding exon 36 of the RYR2 gene, results from a C to G substitution at nucleotide position 4733. The proline at codon 1578 is replaced by arginine, an amino acid with dissimilar properties. This amino acid position is well conserved in available vertebrate species. In addition, the in silico prediction for this alteration is inconclusive. Based on the available evidence, the clinical significance of this alteration remains unclear.

Color Diagnostics, LLC DBA Color Health
Classification: Uncertain significance for Cardiomyopathy. Last evaluated: 2024-03-06. Review status: criteria provided, single submitter. Criteria: ACMG Guidelines, 2015. Collection method: clinical testing. Allele origin: germline.
Comment: This missense variant replaces proline with arginine at codon 1578 of the RYR2 protein. Computational prediction is inconclusive regarding the impact of this variant on protein structure and function (internally defined REVEL score threshold 0.5 < inconclusive < 0.7, PMID: 27666373). To our knowledge, functional studies have not been reported for this variant. This variant has not been reported in individuals affected with RYR2-related disorders in the literature. This variant has been identified in 6/245102 chromosomes in the general population by the Genome Aggregation Database (gnomAD). The available evidence is insufficient to determine the role of this variant in disease conclusively. Therefore, this variant is classified as a Variant of Uncertain Significance.

Fulgent Genetics
Classification: Uncertain significance for Ventricular arrhythmias due to cardiac ryanodine receptor calcium release deficiency syndrome; Catecholaminergic polymorphic ventricular tachycardia 1. Last evaluated: 2021-10-04. Review status: criteria provided, single submitter. Criteria: ACMG Guidelines, 2015. Collection method: clinical testing. Allele origin: unknown.

ARUP Laboratories, Molecular Genetics and Genomics, ARUP Laboratories
Classification: Uncertain significance. Last evaluated: 2019-11-14. Review status: criteria provided, single submitter. Criteria: ARUP Molecular Germline Variant Investigation Process. Collection method: clinical testing. Allele origin: germline.
Comment: The RYR2 c.4733C>G; p.Pro1578Arg variant (rs765351308), to our knowledge, is not reported in the medical literature but is reported in ClinVar (Variation ID: 373788). This variant is only observed on six alleles in the Genome Aggregation Database, indicating it is not a common polymorphism. The proline at codon 1578 is highly conserved, and computational analyses (SIFT, PolyPhen-2) predict that this variant is deleterious. Due to limited information, the clinical significance of the p.Pro1578Arg variant is uncertain at this time.

GeneDx
Classification: Uncertain significance. Last evaluated: 2016-12-13. Review status: criteria provided, single submitter. Criteria: GeneDx Variant Classification (06012015). Collection method: clinical testing. Allele origin: germline. Affected: yes.
Comment: A variant of uncertain significance has been identified in the RYR2 gene. The P1578R variant has not been published as a pathogenic variant, nor has it been reported as a benign variant to our knowledge. This variant was not observed in approximately 6,500 individuals of European and African American ancestry in the NHLBI Exome Sequencing Project, indicating it is not a common benign variant in these populations. The P1578R variant is a non-conservative amino acid substitution, which is likely to impact secondary protein structure as these residues differ in polarity, charge, size and/or other properties. This substitution occurs at a position that is conserved in mammals and in silico analysis predicts this variant is probably damaging to the protein structure/function. However, the P1578R variant is not located in one of the three hot-spot regions of the RYR2 gene, where the majority of pathogenic missense variants occur (Medeiros-Domingo et al., 2009).

NM_001035.3(RYR2):c.4733C>G (p.Pro1578Arg)

Gene: RYR2 (ryanodine receptor 2; plus strand). Cytogenetic location: 1q43.
Variant type: single nucleotide variant.
Coding change: c.4733C>G on transcript NM_001035.3 (MANE Select); coding-DNA position 4733, C replaced by G.
Protein change: p.Pro1578Arg; replaces proline 1578 with arginine.
Molecular consequence: missense variant.
Genome position (GRCh38, 1-based): chr1:237,610,811, C>G. VCF-style: chr1-237610811-C-G. GRCh37 (hg19) VCF-style: chr1-237774111-C-G.
Other names: c.4733C>G, p.Pro1578Arg (LRG_402t1); short protein forms P1578R.
Identifiers: ClinVar variation 373788 (VCV000373788.27), dbSNP rs765351308, ClinGen allele CA086717.